The following is an entry in ClinVar:

ClinVar aggregate classification (germline): Uncertain significance (1 of 4 stars; one submission).

Submission:

Labcorp Genetics (formerly Invitae), Labcorp
Classification: Uncertain significance. Last evaluated: 2022-06-09. Review status: criteria provided, single submitter. Criteria: Invitae Variant Classification Sherloc (09022015). Collection method: clinical testing. Allele origin: germline.
Comment: Experimental studies and prediction algorithms are not available or were not evaluated, and the functional significance of this variant is currently unknown. In summary, the available evidence is currently insufficient to determine the role of this variant in disease. Therefore, it has been classified as a Variant of Uncertain Significance. This variant has not been reported in the literature in individuals affected with IFNAR2-related conditions. This sequence change creates a premature translational stop signal (p.Lys310Argfs*32) in the IFNAR2 gene. While this is not anticipated to result in nonsense mediated decay, it is expected to disrupt the last 206 amino acid(s) of the IFNAR2 protein. This variant is present in population databases (rs765710965, gnomAD 0.003%).

NM_001289125.3(IFNAR2):c.929_932del (p.Lys310fs)

Genes: IFNAR2 (interferon alpha and beta receptor subunit 2; plus strand), IFNAR2-IL10RB (IFNAR2-IL10RB readthrough; plus strand). Cytogenetic location: 21q22.11.
Variant type: Microsatellite.
Coding change: c.929_932del on transcript NM_001289125.3 (MANE Select); coding-DNA positions 929 to 932, 4 bases deleted (AGAA; older notation c.929_932delAGAA).
Protein change: p.Lys310fs; shifts the reading frame from lysine 310.
Molecular consequence: frameshift variant. On other transcripts: 3 prime UTR variant (5).
Genome position (GRCh38, 1-based): chr21:33,262,881-33,262,884, AGAA deleted; deleting any 4 consecutive bases within chr21:33,262,877-33,262,884 gives the same sequence; the c. name uses the placement nearest the transcript's 3' end. VCF-style (leftmost placement, unchanged base first): chr21-33262876-CAGAA-C. GRCh37 (hg19) VCF-style: chr21-34635181-CAGAA-C.
Other names: c.*161AGAA[1] (NM_000874.5, NM_207584.3); c.*74AGAA[1] (NM_001289126.2, NM_001289128.2); c.*300AGAA[1] (NM_001385054.1); c.929_932del, p.Lys310fs (NM_001385055.1, NM_207585.3); short protein forms K310fs.
Identifiers: ClinVar variation 1955239 (VCV001955239.4), dbSNP rs765710965, ClinGen allele CA10005878.